The following is an entry in ClinVar:

ClinVar aggregate classification (germline): Uncertain significance (1 of 4 stars; one submission).

Submission:

GeneDx
Classification: Uncertain significance. Last evaluated: 2026-02-24. Review status: criteria provided, single submitter. Criteria: GeneDx Variant Classification Process June 2021. Collection method: clinical testing. Allele origin: germline.
Comment: Not observed at significant frequency in large population cohorts (gnomAD); In silico analysis supports that this missense variant has a deleterious effect on protein structure/function; Has not been previously published as pathogenic or benign to our knowledge; This variant is associated with the following publications: (PMID: 26100331, 25609763, 25512093)

NM_001376.5(DYNC1H1):c.4522A>C (p.Lys1508Gln)

Gene: DYNC1H1 (dynein cytoplasmic 1 heavy chain 1; plus strand). Cytogenetic location: 14q32.31.
Variant type: single nucleotide variant.
Coding change: c.4522A>C on transcript NM_001376.5 (MANE Select); coding-DNA position 4522, A replaced by C.
Protein change: p.Lys1508Gln; replaces lysine 1508 with glutamine.
Molecular consequence: missense variant.
Genome position (GRCh38, 1-based): chr14:102,001,661, A>C. VCF-style: chr14-102001661-A-C. GRCh37 (hg19) VCF-style: chr14-102467998-A-C.
Other names: short protein forms K1508Q.
Identifiers: ClinVar variation 1698313 (VCV001698313.3), dbSNP rs2141286213, ClinGen allele CA391042785.
Genomic context (GRCh38, chr14:102,001,661, plus strand): 5'-CGTGGCTGGGATGACCTCTTCAACAAGGTCAAAGAACACATCAACAGCGTCTCGGCCATG[A>C]AGCTCTCTCCGTATTACAAGGTGCTGTTGCTGGGGAAGCTTTCCCTCCCCACCAGTGGTC-3'
Protein context (NP_001367.2, residues 1498-1518): KEHINSVSAM[Lys1508Gln]LSPYYKVFEE